The following is an entry in ClinVar:

NM_016239.4(MYO15A):c.7473+1G>A

Gene: MYO15A (myosin XVA; plus strand). Cytogenetic location: 17p11.2.
Variant type: single nucleotide variant.
Coding change: c.7473+1G>A on transcript NM_016239.4 (MANE Select); the canonical splice donor site of the intron after coding-DNA position 7473, G replaced by A.
Molecular consequence: splice donor variant.
Genome position (GRCh38, 1-based): chr17:18,150,914, G>A. VCF-style: chr17-18150914-G-A. GRCh37 (hg19) VCF-style: chr17-18054228-G-A.
Identifiers: ClinVar variation 2695032 (VCV002695032.3), dbSNP rs2545285184, ClinGen allele CA398618583.

ClinVar aggregate classification (germline): Likely pathogenic (1 of 4 stars; one submission).

Submission:

Labcorp Genetics (formerly Invitae), Labcorp
Classification: Likely pathogenic. Last evaluated: 2023-11-11. Review status: criteria provided, single submitter. Criteria: Invitae Variant Classification Sherloc (09022015). Collection method: clinical testing. Allele origin: germline.
Comment: This sequence change affects a donor splice site in intron 38 of the MYO15A gene. It is expected to disrupt RNA splicing. Variants that disrupt the donor or acceptor splice site typically lead to a loss of protein function (PMID: 16199547), and loss-of-function variants in MYO15A are known to be pathogenic (PMID: 17546645). This variant is not present in population databases (gnomAD no frequency). This variant has not been reported in the literature in individuals affected with MYO15A-related conditions. Algorithms developed to predict the effect of sequence changes on RNA splicing suggest that this variant may disrupt the consensus splice site. In summary, the currently available evidence indicates that the variant is pathogenic, but additional data are needed to prove that conclusively. Therefore, this variant has been classified as Likely Pathogenic.

Literature cited by the submitters: PubMed 16199547; PubMed 17546645.